The following is an entry in ClinVar:

ClinVar aggregate classification (germline): Likely benign (0 of 4 stars; one submission).

Conditions:
EHHADH-related disorder. Also called: EHHADH-related condition.

gnomAD v4.1: 7 of 1,555,646 alleles (0.00045%); highest among the groups gnomAD compares: Admixed American, 0.0018%; no homozygotes.

Submission:

PreventionGenetics, part of Exact Sciences
Classification: Likely benign for EHHADH-related condition. Last evaluated: 2024-09-17. Review status: no assertion criteria provided. Collection method: clinical testing. Allele origin: germline.
Comment: This variant is classified as likely benign based on ACMG/AMP sequence variant interpretation guidelines (Richards et al. 2015 PMID: 25741868, with internal and published modifications).

NM_001966.4(EHHADH):c.444A>C (p.Ala148=)

Gene: EHHADH (enoyl-CoA hydratase and 3-hydroxyacyl CoA dehydrogenase; minus strand). Cytogenetic location: 3q27.2.
Variant type: single nucleotide variant.
Coding change: c.444A>C on transcript NM_001966.4 (MANE Select); coding-DNA position 444, A replaced by C.
Protein change: p.Ala148=; no amino-acid change (alanine 148 retained).
Molecular consequence: synonymous variant.
Genome position (GRCh38, 1-based): chr3:185,229,451, T>G on the plus strand (A>C on the coding strand, the complement: EHHADH is on the minus strand). VCF-style: chr3-185229451-T-G. GRCh37 (hg19) VCF-style: chr3-184947239-T-G.
Other names: c.156A>C, p.Ala52= (NM_001166415.2).
Identifiers: ClinVar variation 3348856 (VCV003348856.1).